The following is an entry in ClinVar:

NM_002734.5(PRKAR1A):c.426T>A (p.Asp142Glu)

Gene: PRKAR1A (protein kinase cAMP-dependent type I regulatory subunit alpha; plus strand). Cytogenetic location: 17q24.2.
Variant type: single nucleotide variant.
Coding change: c.426T>A on transcript NM_002734.5 (MANE Select); coding-DNA position 426, T replaced by A.
Protein change: p.Asp142Glu; replaces aspartic acid 142 with glutamic acid.
Molecular consequence: missense variant.
Genome position (GRCh38, 1-based): chr17:68,523,802, T>A. VCF-style: chr17-68523802-T-A. GRCh37 (hg19) VCF-style: chr17-66519943-T-A.
Other names: c.426T>A, p.Asp142Glu (NM_001276289.2, NM_001276290.1, NM_001278433.2 and 4 more transcripts); c.426T>A (NM_002734.3); short protein forms D142E.
Identifiers: ClinVar variation 950379 (VCV000950379.10), dbSNP rs3730371, ClinGen allele CA400752718.

ClinVar aggregate classification (germline): Uncertain significance. Review status: criteria provided, multiple submitters, no conflicts (2 of 4 stars). 2 submissions from 2 submitters: Uncertain significance (2). Last evaluated 2023-11-11.

Conditions:
Hereditary cancer-predisposing syndrome. Also called: Tumor predisposition; Hereditary neoplastic syndrome; Neoplastic Syndromes, Hereditary; Hereditary Cancer Syndrome. Identifiers: Orphanet 140162, MedGen C0027672, MeSH D009386, MONDO:0015356.
Carney complex, type 1 (CNC1). Also called: CARNEY MYXOMA-ENDOCRINE COMPLEX; CARNEY COMPLEX, TYPE I. Identifiers: Orphanet 1359, MedGen C2607929, MONDO:0008057, OMIM 160980.

Submissions (2):

Ambry Genetics
Classification: Uncertain significance for Hereditary cancer-predisposing syndrome. Last evaluated: 2023-11-11. Review status: criteria provided, single submitter. Criteria: Ambry Variant Classification Scheme 2023. Collection method: clinical testing. Allele origin: germline.
Comment: The p.D142E variant (also known as c.426T>A), located in coding exon 3 of the PRKAR1A gene, results from a T to A substitution at nucleotide position 426. The aspartic acid at codon 142 is replaced by glutamic acid, an amino acid with highly similar properties. This amino acid position is conserved. In addition, this alteration is predicted to be deleterious by in silico analysis. Since supporting evidence is limited at this time, the clinical significance of this alteration remains unclear.

Labcorp Genetics (formerly Invitae), Labcorp
Classification: Uncertain significance for Carney complex, type 1. Last evaluated: 2022-07-19. Review status: criteria provided, single submitter. Criteria: Invitae Variant Classification Sherloc (09022015). Collection method: clinical testing. Allele origin: germline.
Comment: In summary, the available evidence is currently insufficient to determine the role of this variant in disease. Therefore, it has been classified as a Variant of Uncertain Significance. Algorithms developed to predict the effect of sequence changes on RNA splicing suggest that this variant may create or strengthen a splice site. Algorithms developed to predict the effect of missense changes on protein structure and function (SIFT, PolyPhen-2, Align-GVGD) all suggest that this variant is likely to be tolerated. ClinVar contains an entry for this variant (Variation ID: 950379). This variant has not been reported in the literature in individuals affected with PRKAR1A-related conditions. This variant is not present in population databases (gnomAD no frequency). This sequence change replaces aspartic acid, which is acidic and polar, with glutamic acid, which is acidic and polar, at codon 142 of the PRKAR1A protein (p.Asp142Glu).